The following is an entry in ClinVar:

NM_001376.5(DYNC1H1):c.1296A>G (p.Val432=)

Gene: DYNC1H1 (dynein cytoplasmic 1 heavy chain 1; plus strand). Cytogenetic location: 14q32.31.
Variant type: single nucleotide variant.
Coding change: c.1296A>G on transcript NM_001376.5 (MANE Select); coding-DNA position 1296, A replaced by G.
Protein change: p.Val432=; no amino-acid change (valine 432 retained).
Molecular consequence: synonymous variant.
Genome position (GRCh38, 1-based): chr14:101,983,444, A>G. VCF-style: chr14-101983444-A-G. GRCh37 (hg19) VCF-style: chr14-102449781-A-G.
Identifiers: ClinVar variation 701851 (VCV000701851.41), dbSNP rs767564445, ClinGen allele CA7351674.

ClinVar aggregate classification (germline): Conflicting classifications of pathogenicity. Review status: criteria provided, conflicting classifications (1 of 4 stars). 5 submissions from 4 submitters: Uncertain significance (2); Likely benign (3). Last evaluated 2026-01-26.

Conditions:
Autosomal dominant cerebellar ataxia. Also called: Spinocerebellar Ataxia, Dominant. Identifiers: Orphanet 99, MedGen C4087347, MONDO:0020380.
Charcot-Marie-Tooth disease axonal type 2O. Also called: Charcot-Marie-Tooth Neuropathy Type 2O; Charcot-Marie-Tooth disease, axonal, type 20; CHARCOT-MARIE-TOOTH NEUROPATHY, AXONAL, TYPE 2O; CHARCOT-MARIE-TOOTH DISEASE, AXONAL, AUTOSOMAL DOMINANT, TYPE 2O. Identifiers: Orphanet 284232, MedGen C3280220, MONDO:0013644, OMIM 614228.

Allele frequency attached by ClinVar (database versions not stated): ExAC 0.00002; gnomAD exomes 0.00002 and 0.00005; gnomAD 0.00003 and 0.00004; TOPMed 0.00003.
gnomAD v4.1: 82 of 1,614,036 alleles (0.0051%); highest among the groups gnomAD compares: Middle Eastern, 0.016%; no homozygotes.

Submissions (5):

Labcorp Genetics (formerly Invitae), Labcorp
Classification: Likely benign for Charcot-Marie-Tooth disease axonal type 2O. Last evaluated: 2026-01-26. Review status: criteria provided, single submitter. Criteria: Invitae Variant Classification Sherloc (09022015). Collection method: clinical testing. Allele origin: germline.

CeGaT Center for Human Genetics Tuebingen
Classification: Likely benign. Last evaluated: 2022-08-01. Review status: criteria provided, single submitter. Criteria: CeGaT Center For Human Genetics Tuebingen Variant Classification Criteria Version 2. Collection method: clinical testing. Allele origin: germline. Affected: yes. Observed: 1 variant allele.
Comment: DYNC1H1: BP4, BP7

GeneDx
Classification: Likely benign. Last evaluated: 2020-02-24. Review status: criteria provided, single submitter. Criteria: GeneDx Variant Classification Process June 2021. Collection method: clinical testing. Allele origin: germline. Affected: yes.

Illumina Laboratory Services, Illumina
Classification: Uncertain significance for Charcot-Marie-Tooth disease axonal type 2O. Last evaluated: 2018-01-12. Review status: criteria provided, single submitter. Criteria: ICSL Variant Classification Criteria 13 December 2019. Collection method: clinical testing. Allele origin: germline.

Illumina Laboratory Services, Illumina
Classification: Uncertain significance for Spinocerebellar Ataxia, Dominant. Last evaluated: 2018-01-12. Review status: criteria provided, single submitter. Criteria: ICSL Variant Classification Criteria 13 December 2019. Collection method: clinical testing. Allele origin: germline.